The following is an entry in ClinVar:

ClinVar aggregate classification (germline): Uncertain significance (1 of 4 stars; one submission).

gnomAD v4.1: 1 of 1,614,264 alleles (0.000062%); highest among the groups gnomAD compares: East Asian, 0.0022%; no homozygotes.

Submission:

Labcorp Genetics (formerly Invitae), Labcorp
Classification: Uncertain significance. Last evaluated: 2025-10-07. Review status: criteria provided, single submitter. Criteria: Invitae Variant Classification Sherloc (09022015). Collection method: clinical testing. Allele origin: germline.
Comment: This sequence change replaces leucine, which is neutral and non-polar, with valine, which is neutral and non-polar, at codon 29 of the MYLK3 protein (p.Leu29Val). This variant is present in population databases (no rsID available, gnomAD 0.006%). This variant has not been reported in the literature in individuals affected with MYLK3-related conditions. An algorithm developed to predict the effect of missense changes on protein structure and function (PolyPhen-2) suggests that this variant is likely to be disruptive. In summary, the available evidence is currently insufficient to determine the role of this variant in disease. Therefore, it has been classified as a Variant of Uncertain Significance.

NM_182493.3(MYLK3):c.85C>G (p.Leu29Val)

Gene: MYLK3 (myosin light chain kinase 3; minus strand). Cytogenetic location: 16q11.2.
Variant type: single nucleotide variant.
Coding change: c.85C>G on transcript NM_182493.3 (MANE Select); coding-DNA position 85, C replaced by G.
Protein change: p.Leu29Val; replaces leucine 29 with valine.
Molecular consequence: missense variant. On other transcripts: intron variant (1).
Genome position (GRCh38, 1-based): chr16:46,748,109, G>C on the plus strand (C>G on the coding strand, the complement: MYLK3 is on the minus strand). VCF-style: chr16-46748109-G-C. GRCh37 (hg19) VCF-style: chr16-46782021-G-C.
Other names: c.-113-7962C>G (NM_001308301.1); short protein forms L29V.
Identifiers: ClinVar variation 4728636 (VCV004728636.1).